The following is an entry in ClinVar:

ClinVar aggregate classification (germline): Conflicting classifications of pathogenicity. Review status: criteria provided, conflicting classifications (1 of 4 stars). 3 submissions from 3 submitters: Uncertain significance (1); Likely benign (2). Last evaluated 2025-12-22.

Conditions:
USH1C-related disorder. Also called: USH1C-related condition.

Allele frequency attached by ClinVar (database versions not stated): gnomAD exomes 0.00005 and 0.00011; gnomAD 0.00006; TOPMed 0.00006; ExAC 0.00009.
gnomAD v4.1: 98 of 1,614,080 alleles (0.0061%); highest among the groups gnomAD compares: South Asian, 0.034%; 1 homozygote.

Submissions (3):

PreventionGenetics, part of Exact Sciences
Classification: Uncertain significance for USH1C-related condition. Last evaluated: 2025-12-22. Review status: criteria provided, single submitter. Criteria: ACMG Guidelines, 2015. Collection method: clinical testing. Allele origin: germline.
Comment: The USH1C c.2609G>A variant is predicted to result in the amino acid substitution p.Arg870His. To our knowledge, this variant has not been reported in the literature. This variant is reported in 0.029% of alleles in individuals of South Asian descent in gnomAD. At this time, the clinical significance of this variant is uncertain due to the absence of conclusive functional and genetic evidence.

Blueprint Genetics
Classification: Likely benign. Last evaluated: 2024-09-03. Review status: criteria provided, single submitter. Criteria: ACMG Guidelines, 2015. Collection method: clinical testing. Allele origin: germline.

Labcorp Genetics (formerly Invitae), Labcorp
Classification: Likely benign. Last evaluated: 2020-11-19. Review status: criteria provided, single submitter. Criteria: Invitae Variant Classification Sherloc (09022015). Collection method: clinical testing. Allele origin: germline.

NM_153676.4(USH1C):c.2609G>A (p.Arg870His)

Gene: USH1C (USH1 protein network component harmonin; minus strand). Cytogenetic location: 11p15.1.
Variant type: single nucleotide variant.
Coding change: c.2609G>A on transcript NM_153676.4 (MANE Select); coding-DNA position 2609, G replaced by A.
Protein change: p.Arg870His; replaces arginine 870 with histidine.
Molecular consequence: missense variant. On other transcripts: intron variant (2).
Genome position (GRCh38, 1-based): chr11:17,495,615, C>T on the plus strand (G>A on the coding strand, the complement: USH1C is on the minus strand). VCF-style: chr11-17495615-C-T. GRCh37 (hg19) VCF-style: chr11-17517162-C-T.
Other names: c.2609G>A (NM_153676.3); c.1589+1143G>A (NM_001297764.2); c.1646+1143G>A (NM_005709.4); short protein forms R870H.
Identifiers: ClinVar variation 764488 (VCV000764488.10), dbSNP rs763367346, ClinGen allele CA5904079.